The following is an entry in ClinVar:

NM_001267550.2(TTN):c.13908T>C (p.Asn4636=)

Gene: TTN (titin; minus strand). Cytogenetic location: 2q31.2.
Variant type: single nucleotide variant.
Coding change: c.13908T>C on transcript NM_001267550.2 (MANE Select); coding-DNA position 13908, T replaced by C.
Protein change: p.Asn4636=; no amino-acid change (asparagine 4636 retained).
Molecular consequence: synonymous variant. On other transcripts: intron variant (1).
Genome position (GRCh38, 1-based): chr2:178,739,325, A>G on the plus strand (T>C on the coding strand, the complement: TTN is on the minus strand). VCF-style: chr2-178739325-A-G. GRCh37 (hg19) VCF-style: chr2-179604052-A-G.
Other names: c.12957T>C, p.Asn4319= (NM_001256850.1); c.12819T>C, p.Asn4273= (NM_003319.4); c.13194T>C, p.Asn4398= (NM_133432.3); c.13395T>C, p.Asn4465= (NM_133437.4); c.10361-965T>C (NM_133378.4).
Identifiers: ClinVar variation 513821 (VCV000513821.18), dbSNP rs1553936091, ClinGen allele CA430295541.
Genomic context (GRCh38, chr2:178,739,325, plus strand): 5'-TTGATCTTGTAAACACTTGAACTTTTCATCTGAAGGCACCAGTTTATTCTCAAAATACCA[A>G]TTCACCTCTTTAGCATTTGTTATGGATGTTGTGAGGTGTACAATATCACCTTCCTCAGAA-3'
Protein context (NP_001254479.2, residues 4626-4646): TTSITNAKEV[Asn4636=]WYFENKLVPS

ClinVar aggregate classification (germline): Likely benign. Review status: criteria provided, multiple submitters, no conflicts (2 of 4 stars). 5 submissions from 5 submitters: Likely benign (5). Last evaluated 2026-05-06.

Conditions:
Dilated cardiomyopathy 1G (CMD1G). Identifiers: Orphanet 154, MedGen C1858763, MONDO:0011400, OMIM 604145.
Autosomal recessive limb-girdle muscular dystrophy type 2J (LGMDR10). Also called: MUSCULAR DYSTROPHY, LIMB-GIRDLE, AUTOSOMAL RECESSIVE 10; Limb-girdle muscular dystrophy, type 2J. Identifiers: Orphanet 140922, MedGen C1837342, MONDO:0012127, OMIM 608807.
Cardiovascular phenotype. Identifiers: MedGen CN230736.
TTN-related disorder. Also called: TTN-related condition; TTN-related disease; TTN-related disorders.

Allele frequency attached by ClinVar (database versions not stated): gnomAD 0.00001; gnomAD exomes 0.00001.
gnomAD v4.1: 11 of 1,613,642 alleles (0.00068%); highest among the groups gnomAD compares: African/African-American, 0.008%; no homozygotes.

Submissions (5):

PreventionGenetics, part of Exact Sciences
Classification: Likely benign for TTN-related condition. Last evaluated: 2026-05-06. Review status: criteria provided, single submitter. Criteria: ACMG Guidelines, 2015. Collection method: clinical testing. Allele origin: germline.
Comment: This variant is classified as likely benign based on ACMG/AMP sequence variant interpretation guidelines (Richards et al. 2015 PMID: 25741868, with internal and published modifications).

CeGaT Center for Human Genetics Tuebingen
Classification: Likely benign. Last evaluated: 2025-10-01. Review status: criteria provided, single submitter. Criteria: CeGaT Center For Human Genetics Tuebingen Variant Classification Criteria Version 2. Collection method: clinical testing. Allele origin: germline. Affected: yes. Observed: 1 variant allele.
Comment: TTN: BP4, BP7

Labcorp Genetics (formerly Invitae), Labcorp
Classification: Likely benign for Dilated cardiomyopathy 1G; Autosomal recessive limb-girdle muscular dystrophy type 2J. Last evaluated: 2025-07-14. Review status: criteria provided, single submitter. Criteria: Invitae Variant Classification Sherloc (09022015). Collection method: clinical testing. Allele origin: germline.

Ambry Genetics
Classification: Likely benign for Cardiovascular phenotype. Last evaluated: 2024-05-02. Review status: criteria provided, single submitter. Criteria: Ambry Variant Classification Scheme 2023. Collection method: clinical testing. Allele origin: germline.

GeneDx
Classification: Likely benign. Last evaluated: 2017-11-27. Review status: criteria provided, single submitter. Criteria: GeneDx Variant Classification (06012015). Collection method: clinical testing. Allele origin: germline. Affected: yes.
Comment: This variant is considered likely benign or benign based on one or more of the following criteria: it is a conservative change, it occurs at a poorly conserved position in the protein, it is predicted to be benign by multiple in silico algorithms, and/or has population frequency not consistent with disease.